The following is an entry in ClinVar:

ClinVar aggregate classification (germline): Uncertain significance (1 of 4 stars; one submission).

Allele frequency attached by ClinVar (database versions not stated): gnomAD 0.00001.
gnomAD v4.1: 15 of 1,613,970 alleles (0.00093%); highest among the groups gnomAD compares: African/African-American, 0.0013%; no homozygotes.

Submission:

Labcorp Genetics (formerly Invitae), Labcorp
Classification: Uncertain significance. Last evaluated: 2022-05-13. Review status: criteria provided, single submitter. Criteria: Invitae Variant Classification Sherloc (09022015). Collection method: clinical testing. Allele origin: germline.
Comment: Algorithms developed to predict the effect of sequence changes on RNA splicing suggest that this variant may create or strengthen a splice site. In summary, the available evidence is currently insufficient to determine the role of this variant in disease. Therefore, it has been classified as a Variant of Uncertain Significance. Algorithms developed to predict the effect of missense changes on protein structure and function output the following: SIFT: "Tolerated"; PolyPhen-2: "Benign"; Align-GVGD: "Class C0". The valine amino acid residue is found in multiple mammalian species, which suggests that this missense change does not adversely affect protein function. This variant has not been reported in the literature in individuals affected with PCARE-related conditions. This variant is present in population databases (rs373090012, gnomAD 0.007%). This sequence change replaces alanine, which is neutral and non-polar, with valine, which is neutral and non-polar, at codon 332 of the PCARE protein (p.Ala332Val).

NM_001029883.3(PCARE):c.995C>T (p.Ala332Val)

Gene: PCARE (photoreceptor cilium actin regulator; minus strand). Cytogenetic location: 2p23.2.
Variant type: single nucleotide variant.
Coding change: c.995C>T on transcript NM_001029883.3 (MANE Select); coding-DNA position 995, C replaced by T.
Protein change: p.Ala332Val; replaces alanine 332 with valine.
Molecular consequence: missense variant.
Genome position (GRCh38, 1-based): chr2:29,073,267, G>A on the plus strand (C>T on the coding strand, the complement: PCARE is on the minus strand). VCF-style: chr2-29073267-G-A. GRCh37 (hg19) VCF-style: chr2-29296133-G-A.
Other names: short protein forms A332V.
Identifiers: ClinVar variation 1952872 (VCV001952872.5), dbSNP rs373090012, ClinGen allele CA1592527.
Genomic context (GRCh38, chr2:29,073,267, plus strand): 5'-ATGCCACTGTCCTCAGAGCATAAGGGGAGACCCTGCACCCCAGGGTCGCCACAGCCACTC[G>A]CCAGGCTCTCTAGCTGCCTCAGAGCCCTCAGGAGGCGTTCATCCACATTCCTTTTTGTGC-3'
Protein context (NP_001025054.1, residues 322-342): LRALRQLESL[Ala332Val]SGCGDPGVQG